The following is an entry in ClinVar:

NM_001258392.3(CLPB):c.1503T>G (p.Ser501Arg)

Gene: CLPB (ClpB family mitochondrial disaggregase; minus strand). Cytogenetic location: 11q13.4.
Variant type: single nucleotide variant.
Coding change: c.1503T>G on transcript NM_001258392.3 (MANE Select); coding-DNA position 1503, T replaced by G.
Protein change: p.Ser501Arg; replaces serine 501 with arginine.
Molecular consequence: missense variant.
Genome position (GRCh38, 1-based): chr11:72,294,677, A>C on the plus strand (T>G on the coding strand, the complement: CLPB is on the minus strand). VCF-style: chr11-72294677-A-C. GRCh37 (hg19) VCF-style: chr11-72005721-A-C.
Other names: c.1416T>G, p.Ser472Arg (NM_001258393.3); c.1458T>G, p.Ser486Arg (NM_001258394.3); c.1593T>G, p.Ser531Arg (NM_030813.6); short protein forms S472R, S486R, S501R, S531R.
Identifiers: ClinVar variation 1140644 (VCV001140644.12), dbSNP rs571871217, ClinGen allele CA6171140.

ClinVar aggregate classification (germline): Conflicting classifications of pathogenicity. Review status: criteria provided, conflicting classifications (1 of 4 stars). 3 submissions from 3 submitters: Uncertain significance (1); Likely benign (2). Last evaluated 2026-03-03.

Conditions:
3-methylglutaconic aciduria, type VIIB (MGCA7B). Also called: CLPB Deficiency; 3-methylglutaconic aciduria, type VII, with cataracts, neurologic involvement and neutropenia; 3-methylglutaconic aciduria with cataracts, neurologic involvement and neutropenia. Identifiers: Orphanet 445038, MedGen C5676893, MONDO:0014561, OMIM 616271.

Allele frequency attached by ClinVar (database versions not stated): gnomAD exomes 0.00009 and 0.00021; gnomAD 0.00010 and 0.00001; TOPMed 0.00003; 1000 Genomes Project 30x 0.00016; 1000 Genomes Project 0.00020; ExAC 0.00022.
gnomAD v4.1: 152 of 1,613,964 alleles (0.0094%); highest among the groups gnomAD compares: South Asian, 0.15%; no homozygotes.

Submissions (3):

Women's Health and Genetics/Laboratory Corporation of America, LabCorp
Classification: Likely benign. Last evaluated: 2026-03-03. Review status: criteria provided, single submitter. Criteria: LabCorp Variant Classification Summary - May 2015. Collection method: clinical testing. Allele origin: germline.
Comment: Variant summary: CLPB c.1593T>G (p.Ser531Arg) results in a non-conservative amino acid change in the encoded protein sequence. Algorithms developed to predict the effect of missense changes on protein structure and function are either unavailable or do not agree on the potential impact of this missense change. The variant allele was found at a frequency of 0.00021 in 251424 control chromosomes, predominantly at a frequency of 0.0017 within the South Asian subpopulation in the gnomAD database, including 1 homozygotes. The observed variant frequency within South Asian control individuals in the gnomAD database exceeds the estimated maximal expected allele frequency for disease-causing variants in CLPB. To our knowledge, no occurrence of c.1593T>G in individuals affected with CLPB-related conditions and no experimental evidence demonstrating its impact on protein function have been reported. ClinVar contains an entry for this variant (Variation ID: 1140644). Based on the evidence outlined above, the variant was classified as likely benign.

Labcorp Genetics (formerly Invitae), Labcorp
Classification: Likely benign for 3-methylglutaconic aciduria, type VIIB. Last evaluated: 2025-12-18. Review status: criteria provided, single submitter. Criteria: Invitae Variant Classification Sherloc (09022015). Collection method: clinical testing. Allele origin: germline.

Revvity Omics, Revvity
Classification: Uncertain significance. Last evaluated: 2019-01-31. Review status: criteria provided, single submitter. Criteria: ACMG Guidelines, 2015. Collection method: clinical testing. Allele origin: germline.